The following is an entry in ClinVar:

NM_005632.3(CAPN15):c.628G>T (p.Glu210Ter)

Gene: CAPN15 (calpain 15; plus strand). Cytogenetic location: 16p13.3.
Variant type: single nucleotide variant.
Coding change: c.628G>T on transcript NM_005632.3 (MANE Select); coding-DNA position 628, G replaced by T.
Protein change: p.Glu210Ter; replaces glutamic acid 210 with a stop codon.
Molecular consequence: nonsense.
Genome position (GRCh38, 1-based): chr16:547,466, G>T. VCF-style: chr16-547466-G-T. GRCh37 (hg19) VCF-style: chr16-597466-G-T.
Other names: short protein forms E210*.
Identifiers: ClinVar variation 4846980 (VCV004846980.1).

ClinVar aggregate classification (germline): Likely pathogenic (1 of 4 stars; one submission).

Conditions:
Oculogastrointestinal-neurodevelopmental syndrome. Identifiers: Orphanet 611201, MedGen C5543355, MONDO:0036189, OMIM 619318.

Submission:

Laboratorio de Genetica e Diagnostico Molecular, Hospital Israelita Albert Einstein
Classification: Likely pathogenic for Oculogastrointestinal-neurodevelopmental syndrome. Last evaluated: 2025-10-17. Review status: criteria provided, single submitter. Criteria: ACMG Guidelines, 2015. Collection method: clinical testing. Allele origin: germline. Affected: yes.
Comment: ACMG classification criteria: PVS1 very strong, PM2 supporting